The following is an entry in ClinVar:

ClinVar aggregate classification (germline): Uncertain significance (1 of 4 stars; one submission).

Conditions:
SEMA3G-related disorder. Also called: SEMA3G-related condition.

gnomAD v4.1: 20 of 1,612,886 alleles (0.0012%); highest among the groups gnomAD compares: Middle Eastern, 0.016%; no homozygotes.

Submission:

PreventionGenetics, part of Exact Sciences
Classification: Uncertain significance for SEMA3G-related condition. Last evaluated: 2026-08-20. Review status: criteria provided, single submitter. Criteria: ACMG Guidelines, 2015. Collection method: clinical testing. Allele origin: germline.
Comment: The SEMA3G c.1694G>A variant is predicted to result in the amino acid substitution p.Arg565Gln. To our knowledge, this variant has not been reported in the literature. This variant is reported in 0.016% of alleles in individuals of East Asian descent in gnomAD. At this time, the clinical significance of this variant is uncertain due to the absence of conclusive functional and genetic evidence.

NM_020163.3(SEMA3G):c.1694G>A (p.Arg565Gln)

Gene: SEMA3G (semaphorin 3G; minus strand). Cytogenetic location: 3p21.1.
Variant type: single nucleotide variant.
Coding change: c.1694G>A on transcript NM_020163.3 (MANE Select); coding-DNA position 1694, G replaced by A.
Protein change: p.Arg565Gln; replaces arginine 565 with glutamine.
Molecular consequence: missense variant.
Genome position (GRCh38, 1-based): chr3:52,438,015, C>T on the plus strand (G>A on the coding strand, the complement: SEMA3G is on the minus strand). VCF-style: chr3-52438015-C-T. GRCh37 (hg19) VCF-style: chr3-52472031-C-T.
Other names: short protein forms R565Q.
Identifiers: ClinVar variation 4977710 (VCV004977710.1).